The following is an entry in ClinVar:

ClinVar aggregate classification (germline): Likely benign. Review status: criteria provided, multiple submitters, no conflicts (2 of 4 stars). 2 submissions from 2 submitters: Likely benign (2). Last evaluated 2026-05-26.

Conditions:
Gastrointestinal stromal tumor. Also called: Gastrointestinal stroma tumor; Gastrointestinal stromal tumor, somatic. Identifiers: Orphanet 44890, MedGen C0238198, MeSH D046152, MONDO:0011719, OMIM 606764, HP:0100723.

gnomAD v4.1: 5 of 1,613,724 alleles (0.00031%); highest among the groups gnomAD compares: African/African-American, 0.0027%; no homozygotes.

Submissions (2):

Myriad Genetics, Inc.
Classification: Likely benign for Gastrointestinal stromal tumor. Last evaluated: 2026-05-26. Review status: criteria provided, single submitter. Criteria: Myriad Autosomal Dominant, Autosomal Recessive and X-Linked Classification Criteria (2023). Collection method: clinical testing. Allele origin: unknown.
Comment: This variant is considered likely benign. This variant is intronic and is not expected to impact mRNA splicing.

Labcorp Genetics (formerly Invitae), Labcorp
Classification: Likely benign for Gastrointestinal stromal tumor. Last evaluated: 2024-10-15. Review status: criteria provided, single submitter. Criteria: Invitae Variant Classification Sherloc (09022015). Collection method: clinical testing. Allele origin: germline.

NM_000222.3(KIT):c.68-20G>C

Gene: KIT (KIT proto-oncogene, receptor tyrosine kinase; plus strand). Cytogenetic location: 4q12.
Variant type: single nucleotide variant.
Coding change: c.68-20G>C on transcript NM_000222.3 (MANE Select); 20 bases into the intron before coding-DNA position 68, G replaced by C.
Molecular consequence: intron variant.
Genome position (GRCh38, 1-based): chr4:54,695,492, G>C. VCF-style: chr4-54695492-G-C. GRCh37 (hg19) VCF-style: chr4-55561658-G-C.
Other names: c.68-20G>C (NM_001385284.1, NM_001385290.1, NM_001385288.1 and 4 more transcripts).
Identifiers: ClinVar variation 2428290 (VCV002428290.14), dbSNP rs72549299, ClinGen allele CA2923147.